The following is an entry in ClinVar:

ClinVar aggregate classification (germline): Uncertain significance (1 of 4 stars; one submission).

Allele frequency attached by ClinVar (database versions not stated): gnomAD 0.00003; 1000 Genomes Project 0.00060; 1000 Genomes Project 30x 0.00062.
gnomAD v4.1: 6 of 1,613,568 alleles (0.00037%); highest among the groups gnomAD compares: East Asian, 0.013%; no homozygotes.

Submission:

Labcorp Genetics (formerly Invitae), Labcorp
Classification: Uncertain significance. Last evaluated: 2023-09-25. Review status: criteria provided, single submitter. Criteria: Invitae Variant Classification Sherloc (09022015). Collection method: clinical testing. Allele origin: germline.
Comment: This sequence change falls in intron 1 of the TUBB3 gene. It does not directly change the encoded amino acid sequence of the TUBB3 protein. It affects a nucleotide within the consensus splice site. The frequency data for this variant in the population databases is considered unreliable, as metrics indicate poor data quality at this position in the gnomAD database. This variant has not been reported in the literature in individuals affected with TUBB3-related conditions. Variants that disrupt the consensus splice site are a relatively common cause of aberrant splicing (PMID: 17576681, 9536098). Algorithms developed to predict the effect of sequence changes on RNA splicing suggest that this variant is not likely to affect RNA splicing. In summary, the available evidence is currently insufficient to determine the role of this variant in disease. Therefore, it has been classified as a Variant of Uncertain Significance.

Literature cited by the submitters: PubMed 17576681; PubMed 9536098.

NM_006086.4(TUBB3):c.58-3C>A

Gene: TUBB3 (tubulin beta 3 class III; plus strand). Cytogenetic location: 16q24.3.
Variant type: single nucleotide variant.
Coding change: c.58-3C>A on transcript NM_006086.4 (MANE Select); 3 bases into the intron before coding-DNA position 58, C replaced by A.
Molecular consequence: intron variant.
Genome position (GRCh38, 1-based): chr16:89,932,568, C>A. VCF-style: chr16-89932568-C-A. GRCh37 (hg19) VCF-style: chr16-89998976-C-A.
Other names: c.-159-3C>A (NM_001197181.2).
Identifiers: ClinVar variation 2964660 (VCV002964660.3), dbSNP rs190261176, ClinGen allele CA8255937.